The following is an entry in ClinVar:

NM_000179.3(MSH6):c.2072_2073delinsATTA (p.Leu691fs)

Gene: MSH6 (mutS homolog 6; plus strand). Cytogenetic location: 2p16.3.
Variant type: Indel.
Coding change: c.2072_2073delinsATTA on transcript NM_000179.3 (MANE Select); coding-DNA positions 2072 to 2073, TC replaced by ATTA.
Protein change: p.Leu691fs; shifts the reading frame from leucine 691.
Molecular consequence: frameshift variant.
Genome position (GRCh38, 1-based): chr2:47,800,055-47,800,056, TC replaced by ATTA. VCF-style: chr2-47800055-TC-ATTA. GRCh37 (hg19) VCF-style: chr2-48027194-TC-ATTA.
Other names: c.1682_1683delinsATTA, p.Leu561fs (NM_001281492.2); c.1166_1167delinsATTA, p.Leu389fs (NM_001281493.2, NM_001281494.2); c.2072_2073delTCinsATTA (NM_000179.2); short protein forms L561fs, L389fs, L691fs.
Identifiers: ClinVar variation 233410 (VCV000233410.5), dbSNP rs876660386, ClinGen allele CA10578091.
Genomic context (GRCh38, chr2:47,800,055, plus strand): 5'-TGACACCAGGAGAGAAAAGTGAATTGGCCCTCTCTGCTCTAGGTGGTTGTGTCTTCTACC[TC>ATTA]AAAAAATGCCTTATTGATCAGGAGCTTTTATCAATGGCTAATTTTGAAGAATATATTCCC-3'

ClinVar aggregate classification (germline): Pathogenic (1 of 4 stars; one submission).

Conditions:
Hereditary cancer-predisposing syndrome. Also called: Neoplastic Syndromes, Hereditary; Tumor predisposition; Hereditary Cancer Syndrome; Hereditary neoplastic syndrome. Identifiers: Orphanet 140162, MedGen C0027672, MeSH D009386, MONDO:0015356.

Submission:

Ambry Genetics
Classification: Pathogenic for Hereditary cancer-predisposing syndrome. Last evaluated: 2015-08-07. Review status: criteria provided, single submitter. Criteria: Ambry Variant Classification Scheme 2023. Collection method: clinical testing. Allele origin: germline.
Comment: The c.2072_2073delTCinsATTA pathogenic mutation, located in coding exon 4 of the MSH6 gene, results from the deletion of two nucleotides and insertion of 4 nucleotides at positions c.2072 to 2074, causing a translational frameshift with a predicted alternate stop codon. Since frameshifts are typically deleterious in nature, this alteration is interpreted as a disease-causing mutation (ACMG Recommendations for Standards for Interpretation and Reporting of Sequence Variations. Revision 2007. Genet Med. 2008;10:294).